The following is an entry in ClinVar:

NM_001458.5(FLNC):c.5882C>G (p.Thr1961Ser)

Genes: FLNC (filamin C; plus strand), FLNC-AS1 (FLNC antisense RNA 1; minus strand). Cytogenetic location: 7q32.1.
Variant type: single nucleotide variant.
Coding change: c.5882C>G on transcript NM_001458.5 (MANE Select); coding-DNA position 5882, C replaced by G.
Protein change: p.Thr1961Ser; replaces threonine 1961 with serine.
Molecular consequence: missense variant.
Genome position (GRCh38, 1-based): chr7:128,852,630, C>G. VCF-style: chr7-128852630-C-G. GRCh37 (hg19) VCF-style: chr7-128492684-C-G.
Other names: c.5783C>G, p.Thr1928Ser (NM_001127487.2); short protein forms T1961S, T1928S.
Identifiers: ClinVar variation 2086692 (VCV002086692.5), dbSNP rs1808867682, ClinGen allele CA369208999.

ClinVar aggregate classification (germline): Uncertain significance. Review status: criteria provided, multiple submitters, no conflicts (2 of 4 stars). 2 submissions from 2 submitters: Uncertain significance (2). Last evaluated 2025-04-07.

Conditions:
Distal myopathy with posterior leg and anterior hand involvement. Also called: WILLIAMS DISTAL MYOPATHY. Identifiers: Orphanet 63273, MedGen C3279722, MONDO:0013550, OMIM 614065.
Hypertrophic cardiomyopathy 26. Also called: Cardiomyopathy, familial hypertrophic, 26. Identifiers: Orphanet 75249, MedGen C4310749, MONDO:0014883, OMIM 617047.
Myofibrillar myopathy 5. Also called: Filaminopathy (type); FILAMINOPATHY, AUTOSOMAL DOMINANT. Identifiers: Orphanet 171445, MedGen C1836050, MONDO:0012289, OMIM 609524.
Cardiovascular phenotype. Identifiers: MedGen CN230736.

Submissions (2):

Ambry Genetics
Classification: Uncertain significance for Cardiovascular phenotype. Last evaluated: 2025-04-07. Review status: criteria provided, single submitter. Criteria: Ambry Variant Classification Scheme 2023. Collection method: clinical testing. Allele origin: germline.
Comment: The p.T1961S variant (also known as c.5882C>G), located in coding exon 36 of the FLNC gene, results from a C to G substitution at nucleotide position 5882. The threonine at codon 1961 is replaced by serine, an amino acid with similar properties. This amino acid position is conserved. In addition, this alteration is predicted to be tolerated by in silico analysis. Based on the available evidence, the clinical significance of this variant remains unclear.

Labcorp Genetics (formerly Invitae), Labcorp
Classification: Uncertain significance for Distal myopathy with posterior leg and anterior hand involvement; Myofibrillar myopathy 5; Hypertrophic cardiomyopathy 26. Last evaluated: 2024-11-11. Review status: criteria provided, single submitter. Criteria: Invitae Variant Classification Sherloc (09022015). Collection method: clinical testing. Allele origin: germline.
Comment: This sequence change replaces threonine, which is neutral and polar, with serine, which is neutral and polar, at codon 1961 of the FLNC protein (p.Thr1961Ser). This variant is not present in population databases (gnomAD no frequency). This variant has not been reported in the literature in individuals affected with FLNC-related conditions. ClinVar contains an entry for this variant (Variation ID: 2086692). Invitae Evidence Modeling of protein sequence and biophysical properties (such as structural, functional, and spatial information, amino acid conservation, physicochemical variation, residue mobility, and thermodynamic stability) has been performed for this missense variant. However, the output from this modeling did not meet the statistical confidence thresholds required to predict the impact of this variant on FLNC protein function. In summary, the available evidence is currently insufficient to determine the role of this variant in disease. Therefore, it has been classified as a Variant of Uncertain Significance.